The following is an entry in ClinVar:

ClinVar aggregate classification (germline): Likely benign (1 of 4 stars; one submission).

Submission:

CeGaT Center for Human Genetics Tuebingen
Classification: Likely benign. Last evaluated: 2023-01-01. Review status: criteria provided, single submitter. Criteria: CeGaT Center For Human Genetics Tuebingen Variant Classification Criteria Version 2. Collection method: clinical testing. Allele origin: germline. Affected: yes. Observed: 1 variant allele.
Comment: SIGLEC1: PM2:Supporting, BP4, BP7

NM_023068.4(SIGLEC1):c.3930A>C (p.Ser1310=)

Gene: SIGLEC1 (sialic acid binding Ig like lectin 1; minus strand). Cytogenetic location: 20p13.
Variant type: single nucleotide variant.
Coding change: c.3930A>C on transcript NM_023068.4 (MANE Select); coding-DNA position 3930, A replaced by C.
Protein change: p.Ser1310=; no amino-acid change (serine 1310 retained).
Molecular consequence: synonymous variant.
Genome position (GRCh38, 1-based): chr20:3,692,621, T>G on the plus strand (A>C on the coding strand, the complement: SIGLEC1 is on the minus strand). VCF-style: chr20-3692621-T-G. GRCh37 (hg19) VCF-style: chr20-3673268-T-G.
Other names: c.3930A>C, p.Ser1310= (NM_001367089.1).
Identifiers: ClinVar variation 2652182 (VCV002652182.24), dbSNP rs2088776038, ClinGen allele CA509561178.